The following is an entry in ClinVar:

ClinVar aggregate classification (germline): Pathogenic (1 of 4 stars; one submission).

Submission:

Labcorp Genetics (formerly Invitae), Labcorp
Classification: Pathogenic. Last evaluated: 2023-06-15. Review status: criteria provided, single submitter. Criteria: Invitae Variant Classification Sherloc (09022015). Collection method: clinical testing. Allele origin: germline.
Comment: This variant has not been reported in the literature in individuals affected with MECR-related conditions. This variant is not present in population databases (gnomAD no frequency). This sequence change creates a premature translational stop signal (p.Val68*) in the MECR gene. It is expected to result in an absent or disrupted protein product. Loss-of-function variants in MECR are known to be pathogenic (PMID: 27817865). For these reasons, this variant has been classified as Pathogenic.

Literature cited by the submitters: PubMed 27817865.

NM_016011.5(MECR):c.202del (p.Ala67_Val68insTer)

Gene: MECR (mitochondrial trans-2-enoyl-CoA reductase; minus strand). Cytogenetic location: 1p35.3.
Variant type: Deletion.
Coding change: c.202del on transcript NM_016011.5 (MANE Select); coding-DNA position 202, one base deleted (G; older notation c.202delG).
Protein change: p.Ala67_Val68insTer.
Molecular consequence: nonsense. On other transcripts: 5 prime UTR variant (5), non-coding transcript variant (4).
Genome position (GRCh38, 1-based): chr1:29,216,660, C deleted on the plus strand (G on the coding strand, the reverse complement: MECR is on the minus strand). VCF-style (leftmost placement, unchanged base first): chr1-29216659-AC-A. GRCh37 (hg19) VCF-style: chr1-29543171-AC-A.
Other names: c.-27del (NM_001024732.4, NM_001349711.2, NM_001349712.2 and 2 more transcripts); c.307del, p.Ala102_Val103insTer (NM_001349715.2); c.286del, p.Ala95_Val96insTer (NM_001349716.2); c.52del, p.Ala17_Val18insTer (NM_001349717.2).
Identifiers: ClinVar variation 2867130 (VCV002867130.3), dbSNP rs2522684220, ClinGen allele CA2739272438.